The following is an entry in ClinVar:

NM_001204.7(BMPR2):c.563T>G (p.Met188Arg)

Gene: BMPR2 (bone morphogenetic protein receptor type 2; plus strand). Cytogenetic location: 2q33.2.
Variant type: single nucleotide variant.
Coding change: c.563T>G on transcript NM_001204.7 (MANE Select); coding-DNA position 563, T replaced by G.
Protein change: p.Met188Arg; replaces methionine 188 with arginine.
Molecular consequence: missense variant.
Genome position (GRCh38, 1-based): chr2:202,514,921, T>G. VCF-style: chr2-202514921-T-G. GRCh37 (hg19) VCF-style: chr2-203379644-T-G.
Other names: short protein forms M188R.
Identifiers: ClinVar variation 4867630 (VCV004867630.1).
Genomic context (GRCh38, chr2:202,514,921, plus strand): 5'-TTAGTAACCTGTTTCCTGTTCTTATAGGAGACCGTAAACAAGGTCTTCACAGTATGAACA[T>G]GATGGAGGCAGCAGCATCCGAACCCTCTCTTGATCTAGATAATCTGAAACTGTTGGAGGT-3'
Protein context (NP_001195.2, residues 178-198): DRKQGLHSMN[Met188Arg]MEAAASEPSL

ClinVar aggregate classification (germline): Uncertain significance (1 of 4 stars; one submission).

Conditions:
Inborn genetic diseases. Identifiers: MedGen C0950123, MeSH D030342.

Submission:

Ambry Genetics
Classification: Uncertain significance for Inborn genetic diseases. Last evaluated: 2026-05-14. Review status: criteria provided, single submitter. Criteria: Ambry Variant Classification Scheme 2023. Collection method: clinical testing. Allele origin: germline.
Comment: The p.M188R variant (also known as c.563T>G), located in coding exon 5 of the BMPR2 gene, results from a T to G substitution at nucleotide position 563. The methionine at codon 188 is replaced by arginine, an amino acid with similar properties. This amino acid position is conserved. In addition, this alteration is predicted to be deleterious by in silico analysis. Based on the available evidence, the clinical significance of this variant remains unclear.